The following is an entry in ClinVar:

ClinVar aggregate classification (germline): Pathogenic (1 of 4 stars; one submission).

Conditions:
Cohen syndrome (COH1). Also called: Cutis verticis gyrata, retinitis pigmentosa, and sensorineural deafness; PEPPER SYNDROME. Identifiers: Orphanet 193, MedGen C0265223, MONDO:0008999, OMIM 216550.

Submission:

Labcorp Genetics (formerly Invitae), Labcorp
Classification: Pathogenic for Cohen syndrome. Last evaluated: 2022-09-01. Review status: criteria provided, single submitter. Criteria: Invitae Variant Classification Sherloc (09022015). Collection method: clinical testing. Allele origin: germline.
Comment: For these reasons, this variant has been classified as Pathogenic. This variant has not been reported in the literature in individuals affected with VPS13B-related conditions. Information on the frequency of this variant in the gnomAD database is not available, as this variant may be reported differently in the database. This sequence change creates a premature translational stop signal (p.Tyr3540*) in the VPS13B gene. It is expected to result in an absent or disrupted protein product. Loss-of-function variants in VPS13B are known to be pathogenic (PMID: 15141358, 16648375, 20461111).

Literature cited by the submitters: PubMed 15141358; PubMed 16648375; PubMed 20461111.

NM_152564.5(VPS13B):c.10544_10545delinsGA (p.Tyr3515Ter)

Gene: VPS13B (vacuolar protein sorting 13 homolog B; plus strand). Cytogenetic location: 8q22.2.
Variant type: Indel.
Coding change: c.10544_10545delinsGA on transcript NM_152564.5 (MANE Select); coding-DNA positions 10544 to 10545, AC replaced by GA.
Protein change: p.Tyr3515Ter; replaces tyrosine 3515 with a stop codon.
Molecular consequence: nonsense.
Genome position (GRCh38, 1-based): chr8:99,853,933-99,853,934, AC replaced by GA. VCF-style: chr8-99853933-AC-GA. GRCh37 (hg19) VCF-style: chr8-100866161-AC-GA.
Other names: c.10619_10620delinsGA, p.Tyr3540Ter (NM_017890.5); short protein forms Y3515*, Y3540*.
Identifiers: ClinVar variation 1926604 (VCV001926604.5), dbSNP rs2492239255, ClinGen allele CA2580079155.